The following is an entry in ClinVar:

ClinVar aggregate classification (germline): Pathogenic (3 of 4 stars; one submission).

Conditions:
Breast-ovarian cancer, familial, susceptibility to, 1 (BROVCA1). Also called: BRCA1 Hereditary Breast and Ovarian Cancer; OVARIAN CANCER, SUSCEPTIBILITY TO. Identifiers: Orphanet 145, MedGen C2676676, MONDO:0011450, OMIM 604370. Disease mechanism: loss of function.

Allele frequency attached by ClinVar (database versions not stated): gnomAD exomes below 0.00001; ExAC 0.00001.

Submission:

Evidence-based Network for the Interpretation of Germline Mutant Alleles (ENIGMA)
Classification: Pathogenic for Breast-ovarian cancer, familial, susceptibility to, 1. Last evaluated: 2016-09-08. Review status: reviewed by expert panel. Criteria: ENIGMA BRCA1/2 Classification Criteria (2015). Collection method: curation. Allele origin: germline.
Comment: Variant allele predicted to encode a truncated non-functional protein.

NM_007294.4(BRCA1):c.2409del (p.Gln804fs)

Gene: BRCA1 (BRCA1 DNA repair associated; minus strand). Cytogenetic location: 17q21.31.
Variant type: Deletion.
Coding change: c.2409del on transcript NM_007294.4 (MANE Select); coding-DNA position 2409, one base deleted (T; older notation c.2409delT).
Protein change: p.Gln804fs; shifts the reading frame from glutamine 804.
Molecular consequence: frameshift variant. On other transcripts: intron variant (137).
Genome position (GRCh38, 1-based): chr17:43,093,122, A deleted on the plus strand (T on the coding strand, the reverse complement: BRCA1 is on the minus strand). VCF-style (leftmost placement, unchanged base first): chr17-43093121-GA-G. GRCh37 (hg19) VCF-style: chr17-41245138-GA-G.
Other names: c.2286del, p.Gln763fs (NM_001407679.1, NM_001407680.1, NM_001407681.1 and 19 more transcripts); c.2409del, p.Gln804fs (NM_001407684.1, NM_001407854.1, NM_001407858.1 and 30 more transcripts); c.2283del, p.Gln762fs (NM_001407685.1, NM_001407686.1, NM_001407687.1 and 11 more transcripts); c.2268del, p.Gln757fs (NM_001407692.1, NM_001407694.1, NM_001407695.1 and 29 more transcripts); c.2265del, p.Gln756fs (NM_001407740.1, NM_001407741.1, NM_001407742.1 and 20 more transcripts); c.2196del, p.Gln733fs (NM_001407853.1, NM_001407894.1, NM_001407895.1 and 9 more transcripts); c.2406del, p.Gln803fs (NM_001407860.1, NM_001407861.1, NM_001407587.1 and 22 more transcripts); c.2208del, p.Gln737fs (NM_001407862.1); and 41 more; short protein forms Q804fs, Q757fs, Q734fs, Q763fs, Q801fs, Q677fs, Q693fs, Q715fs.
Identifiers: ClinVar variation 254412 (VCV000254412.3), dbSNP rs770460699, ClinGen allele CA058583.